The following is an entry in ClinVar:

NM_002834.5(PTPN11):c.85T>G (p.Phe29Val)

Gene: PTPN11 (protein tyrosine phosphatase non-receptor type 11; plus strand). Cytogenetic location: 12q24.13.
Variant type: single nucleotide variant.
Coding change: c.85T>G on transcript NM_002834.5 (MANE Select); coding-DNA position 85, T replaced by G.
Protein change: p.Phe29Val; replaces phenylalanine 29 with valine.
Molecular consequence: missense variant.
Genome position (GRCh38, 1-based): chr12:112,446,346, T>G. VCF-style: chr12-112446346-T-G. GRCh37 (hg19) VCF-style: chr12-112884150-T-G.
Other names: c.85T>G, p.Phe29Val (NM_080601.3, NM_001330437.2, NM_001374625.1); short protein forms F29V.
Identifiers: ClinVar variation 4803083 (VCV004803083.1).

ClinVar aggregate classification (germline): Uncertain significance (1 of 4 stars; one submission).

Conditions:
RASopathy. Also called: rasopathies; Noonan spectrum disorder. Identifiers: Orphanet 536391, MedGen C5555857, MONDO:0021060.

Submission:

Labcorp Genetics (formerly Invitae), Labcorp
Classification: Uncertain significance for RASopathy. Last evaluated: 2025-09-28. Review status: criteria provided, single submitter. Criteria: Invitae Variant Classification Sherloc (09022015). Collection method: clinical testing. Allele origin: germline.
Comment: This sequence change replaces phenylalanine, which is neutral and non-polar, with valine, which is neutral and non-polar, at codon 29 of the PTPN11 protein (p.Phe29Val). This variant is not present in population databases (gnomAD no frequency). This variant has not been reported in the literature in individuals affected with PTPN11-related conditions. Invitae Evidence Modeling of protein sequence and biophysical properties (such as structural, functional, and spatial information, amino acid conservation, physicochemical variation, residue mobility, and thermodynamic stability) indicates that this missense variant is expected to disrupt PTPN11 protein function with a positive predictive value of 95%. In summary, the available evidence is currently insufficient to determine the role of this variant in disease. Therefore, it has been classified as a Variant of Uncertain Significance.